The following is an entry in ClinVar:

NM_001040108.2(MLH3):c.4030G>A (p.Gly1344Ser)

Gene: MLH3 (mutL homolog 3; minus strand). Cytogenetic location: 14q24.3.
Variant type: single nucleotide variant.
Coding change: c.4030G>A on transcript NM_001040108.2 (MANE Select); coding-DNA position 4030, G replaced by A.
Protein change: p.Gly1344Ser; replaces glycine 1344 with serine.
Molecular consequence: missense variant.
Genome position (GRCh38, 1-based): chr14:75,022,874, C>T on the plus strand (G>A on the coding strand, the complement: MLH3 is on the minus strand). VCF-style: chr14-75022874-C-T. GRCh37 (hg19) VCF-style: chr14-75489577-C-T.
Other names: c.3958G>A, p.Gly1320Ser (NM_014381.3); short protein forms G1320S, G1344S.
Identifiers: ClinVar variation 3295078 (VCV003295078.1).

ClinVar aggregate classification (germline): Uncertain significance (1 of 4 stars; one submission).

gnomAD v4.1: 3 of 1,614,170 alleles (0.00019%); highest among the groups gnomAD compares: Non-Finnish European, 0.00025%; no homozygotes.

Submission:

Ambry Genetics
Classification: Uncertain significance. Last evaluated: 2024-05-10. Review status: criteria provided, single submitter. Criteria: Ambry Variant Classification Scheme 2023. Collection method: clinical testing. Allele origin: germline.
Comment: The p.G1344S variant (also known as c.4030G>A), located in coding exon 10 of the MLH3 gene, results from a G to A substitution at nucleotide position 4030. The glycine at codon 1344 is replaced by serine, an amino acid with similar properties. This amino acid position is conserved. In addition, this alteration is predicted to be tolerated by in silico analysis. Based on the available evidence, the clinical significance of this variant remains unclear.